The following is an entry in ClinVar:

NC_000011.9:g.(?_14899668)_(14902334_?)dup

Gene: CYP2R1 (cytochrome P450 family 2 subfamily R member 1; minus strand). Cytogenetic location: 11p15.2.
Variant type: Duplication.
Identifiers: ClinVar variation 2426825 (VCV002426825.3).

ClinVar aggregate classification (germline): Uncertain significance (1 of 4 stars; one submission).

Submission:

Labcorp Genetics (formerly Invitae), Labcorp
Classification: Uncertain significance. Last evaluated: 2022-03-23. Review status: criteria provided, single submitter. Criteria: Invitae Variant Classification Sherloc (09022015). Collection method: clinical testing. Allele origin: germline.
Comment: This variant results in a copy number gain of the genomic region encompassing exon(s) 3-5 of the CYP2R1 gene. This region includes the termination codon of the gene. This copy number gain extends beyond the assayed region for this gene and therefore may encompass additional genes. As the precise location of this event is unknown, it may be in tandem or it may be located elsewhere in the genome. This variant has not been reported in the literature in individuals affected with CYP2R1-related conditions. Experimental studies and prediction algorithms are not available or were not evaluated, and the functional significance of this variant is currently unknown. In summary, the available evidence is currently insufficient to determine the role of this variant in disease. Therefore, it has been classified as a Variant of Uncertain Significance.